The following is an entry in ClinVar:

NM_001042681.2(RERE):c.38A>G (p.Lys13Arg)

Gene: RERE (arginine-glutamic acid dipeptide repeats; minus strand). Cytogenetic location: 1p36.23.
Variant type: single nucleotide variant.
Coding change: c.38A>G on transcript NM_001042681.2 (MANE Select); coding-DNA position 38, A replaced by G.
Protein change: p.Lys13Arg; replaces lysine 13 with arginine.
Molecular consequence: missense variant.
Genome position (GRCh38, 1-based): chr1:8,656,260, T>C on the plus strand (A>G on the coding strand, the complement: RERE is on the minus strand). VCF-style: chr1-8656260-T-C. GRCh37 (hg19) VCF-style: chr1-8716319-T-C.
Other names: c.38A>G, p.Lys13Arg (NM_012102.4); short protein forms K13R.
Identifiers: ClinVar variation 3313639 (VCV003313639.2).

ClinVar aggregate classification (germline): Uncertain significance. Review status: criteria provided, multiple submitters, no conflicts (2 of 4 stars). 2 submissions from 2 submitters: Uncertain significance (2). Last evaluated 2025-09-24.

Conditions:
Inborn genetic diseases. Identifiers: MedGen C0950123, MeSH D030342.

Submissions (2):

Labcorp Genetics (formerly Invitae), Labcorp
Classification: Uncertain significance. Last evaluated: 2025-09-24. Review status: criteria provided, single submitter. Criteria: Invitae Variant Classification Sherloc (09022015). Collection method: clinical testing. Allele origin: germline.
Comment: This sequence change replaces lysine, which is basic and polar, with arginine, which is basic and polar, at codon 13 of the RERE protein (p.Lys13Arg). This variant is present in population databases (no rsID available, gnomAD 0.004%). This variant has not been reported in the literature in individuals affected with RERE-related conditions. ClinVar contains an entry for this variant (Variation ID: 3313639). Invitae Evidence Modeling of protein sequence and biophysical properties (such as structural, functional, and spatial information, amino acid conservation, physicochemical variation, residue mobility, and thermodynamic stability) indicates that this missense variant is not expected to disrupt RERE protein function with a negative predictive value of 95%. In summary, the available evidence is currently insufficient to determine the role of this variant in disease. Therefore, it has been classified as a Variant of Uncertain Significance.

Ambry Genetics
Classification: Uncertain significance for Inborn genetic diseases. Last evaluated: 2024-05-08. Review status: criteria provided, single submitter. Criteria: Ambry Variant Classification Scheme 2023. Collection method: clinical testing. Allele origin: germline.